The following is an entry in ClinVar:

ClinVar aggregate classification (germline): Pathogenic (1 of 4 stars; one submission).

Submission:

Labcorp Genetics (formerly Invitae), Labcorp
Classification: Pathogenic. Last evaluated: 2024-02-23. Review status: criteria provided, single submitter. Criteria: Invitae Variant Classification Sherloc (09022015). Collection method: clinical testing. Allele origin: germline.
Comment: This sequence change replaces phenylalanine, which is neutral and non-polar, with serine, which is neutral and polar, at codon 686 of the ABCC8 protein (p.Phe686Ser). This variant is not present in population databases (gnomAD no frequency). This missense change has been observed in individual(s) with congenital hyperinsulinism (PMID: 14715863, 16357843). In at least one individual the variant was observed to be de novo. ClinVar contains an entry for this variant (Variation ID: 968535). Advanced modeling of protein sequence and biophysical properties (such as structural, functional, and spatial information, amino acid conservation, physicochemical variation, residue mobility, and thermodynamic stability) performed at Invitae indicates that this missense variant is expected to disrupt ABCC8 protein function with a positive predictive value of 95%. Experimental studies have shown that this missense change affects ABCC8 function (PMID: 17575084). For these reasons, this variant has been classified as Pathogenic.

Literature cited by the submitters: PubMed 14715863; PubMed 16357843; PubMed 17575084.

NM_000352.6(ABCC8):c.2057T>C (p.Phe686Ser)

Gene: ABCC8 (ATP binding cassette subfamily C member 8; minus strand). Cytogenetic location: 11p15.1.
Variant type: single nucleotide variant.
Coding change: c.2057T>C on transcript NM_000352.6 (MANE Select); coding-DNA position 2057, T replaced by C.
Protein change: p.Phe686Ser; replaces phenylalanine 686 with serine.
Molecular consequence: missense variant. On other transcripts: non-coding transcript variant (1).
Genome position (GRCh38, 1-based): chr11:17,427,926, A>G on the plus strand (T>C on the coding strand, the complement: ABCC8 is on the minus strand). VCF-style: chr11-17427926-A-G. GRCh37 (hg19) VCF-style: chr11-17449473-A-G.
Other names: c.2057T>C, p.Phe686Ser (NM_001287174.3); c.2123T>C, p.Phe708Ser (NM_001351295.2); c.2054T>C, p.Phe685Ser (NM_001351296.2, NM_001351297.2); short protein forms F685S, F686S, F708S.
Identifiers: ClinVar variation 968535 (VCV000968535.9), dbSNP rs1159625966, ClinGen allele CA379814914.